The following is an entry in ClinVar:

NM_033100.4(CDHR1):c.-64G>A

Genes: CDHR1 (cadherin related family member 1; plus strand), LOC130004216 (ATAC-STARR-seq lymphoblastoid silent region 2551; plus strand). Cytogenetic location: 10q23.1.
Variant type: single nucleotide variant.
Coding change: c.-64G>A on transcript NM_033100.4 (MANE Select); 64 bases upstream of the start codon, G replaced by A.
Molecular consequence: 5 prime UTR variant.
Genome position (GRCh38, 1-based): chr10:84,194,697, G>A. VCF-style: chr10-84194697-G-A. GRCh37 (hg19) VCF-style: chr10-85954453-G-A.
Other names: c.-64G>A (NM_001171971.3).
Identifiers: ClinVar variation 301206 (VCV000301206.6), dbSNP rs531194884, ClinGen allele CA10636183.

ClinVar aggregate classification (germline): Likely benign. Review status: criteria provided, multiple submitters, no conflicts (2 of 4 stars). 2 submissions from 2 submitters: Likely benign (2). Last evaluated 2018-01-13.

Conditions:
Cone-rod dystrophy 15 (CORD15). Identifiers: MedGen C3150912, MONDO:0013348, OMIM 613660.

Allele frequency attached by ClinVar (database versions not stated): 1000 Genomes Project 0.00619; gnomAD 0.00623 and 0.00681; 1000 Genomes Project 30x 0.00671; TOPMed 0.00672.

Submissions (2):

Illumina Laboratory Services, Illumina
Classification: Likely benign for Cone-rod dystrophy 15. Last evaluated: 2018-01-13. Review status: criteria provided, single submitter. Criteria: ICSL Variant Classification Criteria 13 December 2019. Collection method: clinical testing. Allele origin: germline.
Comment: This variant was observed in the ICSL laboratory as part of a predisposition screen in an ostensibly healthy population. It had not been previously curated by ICSL or reported in the Human Gene Mutation Database (HGMD: prior to June 1st, 2018), and was therefore a candidate for classification through an automated scoring system. Utilizing variant allele frequency, disease prevalence and penetrance estimates, and inheritance mode, an automated score was calculated to assess if this variant is too frequent to cause the disease. Based on the score and internal cut-off values, a variant classified as likely benign is not then subjected to further curation. The score for this variant resulted in a classification of likely benign for this disease.

Breakthrough Genomics
Classification: Likely benign. Review status: criteria provided, single submitter. Criteria: ACMG Guidelines, 2015. Collection method: not provided. Allele origin: germline. Inheritance: Autosomal recessive inheritance. Affected: yes.